The following is an entry in ClinVar:

NM_000016.6(ACADM):c.955A>G (p.Ile319Val)

Gene: ACADM (acyl-CoA dehydrogenase medium chain; plus strand). Cytogenetic location: 1p31.1.
Variant type: single nucleotide variant.
Coding change: c.955A>G on transcript NM_000016.6 (MANE Select); coding-DNA position 955, A replaced by G.
Protein change: p.Ile319Val; replaces isoleucine 319 with valine.
Molecular consequence: missense variant.
Genome position (GRCh38, 1-based): chr1:75,761,131, A>G. VCF-style: chr1-75761131-A-G. GRCh37 (hg19) VCF-style: chr1-76226816-A-G.
Other names: c.967A>G, p.Ile323Val (NM_001127328.3); c.847A>G, p.Ile283Val (NM_001286042.2); c.1054A>G, p.Ile352Val (NM_001286043.2); c.388A>G, p.Ile130Val (NM_001286044.2); short protein forms I352V, I130V, I319V, I283V, I323V.
Identifiers: ClinVar variation 1926644 (VCV001926644.5), dbSNP rs1156515466, ClinGen allele CA340817853.
Genomic context (GRCh38, chr1:75,761,131, plus strand): 5'-TTTTAAGTTTTCTCAATAAATATCCTTTAATTTTTTTCTTTTTAATTCTAGCACCAAGCA[A>G]TATCATTTATGCTGGCTGAAATGGCAATGAAAGTTGAACTAGCTAGAATGAGTTACCAGA-3'
Protein context (NP_000007.1, residues 309-329): FGKLLVEHQA[Ile319Val]SFMLAEMAMK

ClinVar aggregate classification (germline): Uncertain significance (1 of 4 stars; one submission).

Conditions:
Medium-chain acyl-coenzyme A dehydrogenase deficiency (ACADMD). Also called: ACADM DEFICIENCY; MCADH DEFICIENCY; Medium chain acyl-CoA dehydrogenase deficiency; MCAD Deficiency; MCADD; CARNITINE DEFICIENCY SECONDARY TO MEDIUM-CHAIN ACYL-CoA DEHYDROGENASE DEFICIENCY. Identifiers: Orphanet 42, MedGen C0220710, MONDO:0008721, OMIM 201450.

Allele frequency attached by ClinVar (database versions not stated): gnomAD exomes below 0.00001.
gnomAD v4.1: 2 of 1,613,974 alleles (0.00012%); highest among the groups gnomAD compares: South Asian, 0.0011%; no homozygotes.

Submission:

Labcorp Genetics (formerly Invitae), Labcorp
Classification: Uncertain significance for Medium-chain acyl-coenzyme A dehydrogenase deficiency. Last evaluated: 2022-10-05. Review status: criteria provided, single submitter. Criteria: Invitae Variant Classification Sherloc (09022015). Collection method: clinical testing. Allele origin: germline.
Comment: This sequence change replaces isoleucine, which is neutral and non-polar, with valine, which is neutral and non-polar, at codon 319 of the ACADM protein (p.Ile319Val). In summary, the available evidence is currently insufficient to determine the role of this variant in disease. Therefore, it has been classified as a Variant of Uncertain Significance. Advanced modeling of protein sequence and biophysical properties (such as structural, functional, and spatial information, amino acid conservation, physicochemical variation, residue mobility, and thermodynamic stability) performed at Invitae indicates that this missense variant is not expected to disrupt ACADM protein function. This variant has not been reported in the literature in individuals affected with ACADM-related conditions. This variant is present in population databases (no rsID available, gnomAD 0.006%).